The following is an entry in ClinVar:

ClinVar aggregate classification (germline): Uncertain significance (1 of 4 stars; one submission).

Conditions:
Hereditary cancer-predisposing syndrome. Also called: Neoplastic Syndromes, Hereditary; Tumor predisposition; Hereditary neoplastic syndrome; Hereditary Cancer Syndrome. Identifiers: Orphanet 140162, MedGen C0027672, MeSH D009386, MONDO:0015356.

Submission:

Labcorp Genetics (formerly Invitae), Labcorp
Classification: Uncertain significance for Hereditary cancer-predisposing syndrome. Last evaluated: 2018-10-04. Review status: criteria provided, single submitter. Criteria: Invitae Variant Classification Sherloc (09022015). Collection method: clinical testing. Allele origin: germline.
Comment: This sequence change replaces arginine with proline at codon 1260 of the RAD50 protein (p.Arg1260Pro). The arginine residue is moderately conserved and there is a moderate physicochemical difference between arginine and proline. This variant is not present in population databases (ExAC no frequency). This variant has not been reported in the literature in individuals with RAD50-related disease. Algorithms developed to predict the effect of missense changes on protein structure and function are either unavailable or do not agree on the potential impact of this missense change (SIFT: "Deleterious"; PolyPhen-2: "Possibly Damaging"; Align-GVGD: "Class C0"). In summary, the available evidence is currently insufficient to determine the role of this variant in disease. Therefore, it has been classified as a Variant of Uncertain Significance.

NM_005732.4(RAD50):c.3779G>C (p.Arg1260Pro)

Genes: TH2LCRR (T helper type 2 locus control region associated RNA; minus strand), RAD50 (RAD50 double strand break repair protein; plus strand). Cytogenetic location: 5q31.1.
Variant type: single nucleotide variant.
Coding change: c.3779G>C on transcript NM_005732.4 (MANE Select); coding-DNA position 3779, G replaced by C.
Protein change: p.Arg1260Pro; replaces arginine 1260 with proline.
Molecular consequence: missense variant. On other transcripts: non-coding transcript variant (1).
Genome position (GRCh38, 1-based): chr5:132,642,204, G>C. VCF-style: chr5-132642204-G-C. GRCh37 (hg19) VCF-style: chr5-131977896-G-C.
Other names: short protein forms R1260P.
Identifiers: ClinVar variation 643970 (VCV000643970.9), dbSNP rs367683141, ClinGen allele CA360935709.